The following is an entry in ClinVar:

ClinVar aggregate classification (germline): Uncertain significance. Review status: reviewed by expert panel (3 of 4 stars). 2 submissions from 2 submitters: Uncertain significance (1). 1 of the submissions does not count toward it. Last evaluated 2025-04-11.

Conditions:
Arginine:glycine amidinotransferase deficiency (CCDS3). Also called: L-Arginine:Glycine Amidinotransferase Deficiency; Cerebral creatine deficiency syndrome 3; L-Arginine:Glycine Amidinotransferase (AGAT) Deficiency; AGAT deficiency; Creatine deficiency syndrome due to AGAT deficiency; GATM deficiency. Identifiers: Orphanet 35704, MedGen C2675179, MONDO:0012996, OMIM 612718.

Allele frequency attached by ClinVar (database versions not stated): gnomAD exomes below 0.00001 and 0.00002; TOPMed below 0.00001; ExAC 0.00001; ESP Exome Variant Server 0.00008.
gnomAD v4.1: 27 of 1,614,010 alleles (0.0017%); highest among the groups gnomAD compares: Non-Finnish European, 0.0019%; no homozygotes.

Submissions (3):

ClinGen Cerebral Creatine Deficiency Syndromes Variant Curation Expert Panel, ClinGen
Classification: Uncertain significance for Arginine:glycine amidinotransferase deficiency. Last evaluated: 2025-04-11. Review status: reviewed by expert panel. Criteria: ClinGen CCDS ACMG Specifications GATM V2.0.0. Collection method: curation. Allele origin: germline. Inheritance: Autosomal recessive inheritance.
Comment: The NM_001482.3:c.541G>A variant in GATM is a missense variant that is predicted to result in the substitution of glutamine by lysine at amino acid 181 (p.Glu181Lys). The highest population minor allele frequency for this variant in gnomAD v4.1.0. is 0.00001864 (22/1180012 alleles) in the European non-Finnish population, which is lower than the ClinGen CCDS VCEP’s threshold for PM2_Supporting (<0.000055), meeting this criterion (PM2_Supporting). When overexpressed in HeLa cells, the variant resulted in <15% wild-type enzyme activity (PMID: 27233232). The computational predictor REVEL gives a score of 0.608, which neither predicts a damaging nor a benign impact on AGAT function. SpliceAI predicts that the variant has no impact on splicing. To our knowledge, this variant has not been reported in an individual with AGAT deficiency in the published literature. There is a ClinVar entry for this variant (Variation ID: 225914). In summary, this variant meets the criteria to be classified as a variant of uncertain significance for AGAT deficiency. GATM-specific ACMG/AMP criteria applied, as specified by the ClinGen CCDS VCEP (Specifications Version 2.0.0): PS3_Supporting, PM2_Supporting. (Classification approved by the ClinGen CCDS VCEP on April 11, 2025).

Labcorp Genetics (formerly Invitae), Labcorp
Classification: Uncertain significance for Arginine:glycine amidinotransferase deficiency. Last evaluated: 2025-08-14. Review status: criteria provided, single submitter. Criteria: Invitae Variant Classification Sherloc (09022015). Collection method: clinical testing. Allele origin: germline. Not counted in ClinVar's aggregate classification.
Comment: This sequence change replaces glutamic acid, which is acidic and polar, with lysine, which is basic and polar, at codon 181 of the GATM protein (p.Glu181Lys). This variant is present in population databases (rs376982466, gnomAD 0.0009%). This variant has not been reported in the literature in individuals affected with GATM-related conditions. ClinVar contains an entry for this variant (Variation ID: 225914). Invitae Evidence Modeling of protein sequence and biophysical properties (such as structural, functional, and spatial information, amino acid conservation, physicochemical variation, residue mobility, and thermodynamic stability) indicates that this missense variant is expected to disrupt GATM protein function with a positive predictive value of 95%. Experimental studies have shown that this missense change affects GATM function (PMID: 27233232). In summary, the available evidence is currently insufficient to determine the role of this variant in disease. Therefore, it has been classified as a Variant of Uncertain Significance.

Hospital for Sick Children
No classification provided (evidence only). Review status: no classification provided. Collection method: in vitro. Allele origin: not applicable. Functional consequence: variation affecting protein function. Not counted in ClinVar's aggregate classification.
ClinVar note: "not provided" was previously submitted as the classification for the variant. However, the classification appeared to be based only on an observation of functional data so it was converted to no classification on 2025-07-30.

Literature cited by the submitters: PubMed 27233232 (cited by 3 submitters).

NM_001482.3(GATM):c.541G>A (p.Glu181Lys)

Gene: GATM (glycine amidinotransferase; minus strand). Cytogenetic location: 15q21.1.
Variant type: single nucleotide variant.
Coding change: c.541G>A on transcript NM_001482.3 (MANE Select); coding-DNA position 541, G replaced by A.
Protein change: p.Glu181Lys; replaces glutamic acid 181 with lysine.
Molecular consequence: missense variant.
Genome position (GRCh38, 1-based): chr15:45,368,204, C>T on the plus strand (G>A on the coding strand, the complement: GATM is on the minus strand). VCF-style: chr15-45368204-C-T. GRCh37 (hg19) VCF-style: chr15-45660402-C-T.
Other names: NM_001482.3(GATM):c.541G>A; p.Glu181Lys; c.154G>A, p.Glu52Lys (NM_001321015.2); short protein forms E181K, E52K.
Identifiers: ClinVar variation 225914 (VCV000225914.11), dbSNP rs376982466, ClinGen allele CA7542902.